The following is an entry in ClinVar:

NM_025114.4(CEP290):c.3385G>A (p.Ala1129Thr)

Gene: CEP290 (centrosomal protein 290; minus strand). Cytogenetic location: 12q21.32.
Variant type: single nucleotide variant.
Coding change: c.3385G>A on transcript NM_025114.4 (MANE Select); coding-DNA position 3385, G replaced by A.
Protein change: p.Ala1129Thr; replaces alanine 1129 with threonine.
Molecular consequence: missense variant.
Genome position (GRCh38, 1-based): chr12:88,092,757, C>T on the plus strand (G>A on the coding strand, the complement: CEP290 is on the minus strand). VCF-style: chr12-88092757-C-T. GRCh37 (hg19) VCF-style: chr12-88486534-C-T.
Other names: c.3385G>A (NM_025114.3); short protein forms A1129T.
Identifiers: ClinVar variation 500585 (VCV000500585.6), dbSNP rs71454116, ClinGen allele CA386004310.
Genomic context (GRCh38, chr12:88,092,757, plus strand): 5'-TTAGTTCCATTTCATTCTTCTCTAATTCTAGAATCCGTTGCCTATCAGCATCACTTACTG[C>T]CTTGCTCACACTATCAGCTAATTCATCTCTTAACATCTGTTCCACCTTCTGTGCATCCAA-3'
Protein context (NP_079390.3, residues 1119-1139): RDELADSVSK[Ala1129Thr]VSDADRQRIL

ClinVar aggregate classification (germline): Uncertain significance. Review status: criteria provided, multiple submitters, no conflicts (2 of 4 stars). 2 submissions from 2 submitters: Uncertain significance (2). Last evaluated 2026-05-22.

Conditions:
CEP290-related disorder. Also called: CEP290-related condition; CEP290-related disorders. Identifiers: MedGen CN239314.

Allele frequency attached by ClinVar (database versions not stated): gnomAD exomes below 0.00001; gnomAD 0.00001; TOPMed 0.00002.
gnomAD v4.1: 6 of 1,609,796 alleles (0.00037%); highest among the groups gnomAD compares: East Asian, 0.0045%; no homozygotes.

Submissions (2):

PreventionGenetics, part of Exact Sciences
Classification: Uncertain significance for CEP290-related condition. Last evaluated: 2026-05-22. Review status: criteria provided, single submitter. Criteria: ACMG Guidelines, 2015. Collection method: clinical testing. Allele origin: germline.
Comment: The CEP290 c.3385G>A variant is predicted to result in the amino acid substitution p.Ala1129Thr. To our knowledge, this variant has not been reported in the literature. This variant is reported in 0.0030% of alleles in individuals of Latino descent in gnomAD. At this time, the clinical significance of this variant is uncertain due to the absence of conclusive functional and genetic evidence.

Eurofins Ntd Llc (ga)
Classification: Uncertain significance. Last evaluated: 2017-03-07. Review status: criteria provided, single submitter. Criteria: EGL Classification Definitions 2015. Collection method: clinical testing. Allele origin: germline. Observed: 1 variant allele, 1 heterozygote.